The following is an entry in ClinVar:

NM_001852.4(COL9A2):c.472-6_478del

Gene: COL9A2 (collagen type IX alpha 2 chain; minus strand). Cytogenetic location: 1p34.2.
Variant type: Deletion.
Coding change: c.472-6_478del on transcript NM_001852.4 (MANE Select); 6 bases into the intron before coding-DNA position 472 through coding-DNA position 478, 13 bases deleted (TCTCAGGGTCGCC).
Molecular consequence: splice acceptor variant.
Genome position (GRCh38, 1-based): chr1:40,311,541-40,311,553, GGCGACCCTGAGA deleted on the plus strand (TCTCAGGGTCGCC on the coding strand, the reverse complement: COL9A2 is on the minus strand); deleting any 13 consecutive bases within chr1:40,311,541-40,311,555 gives the same sequence; the c. name uses the placement nearest the transcript's 3' end. VCF-style (leftmost placement, unchanged base first): chr1-40311540-GGGCGACCCTGAGA-G. GRCh37 (hg19) VCF-style: chr1-40777212-GGGCGACCCTGAGA-G.
Identifiers: ClinVar variation 2706179 (VCV002706179.3), dbSNP rs2522552668, ClinGen allele CA2538497746.

ClinVar aggregate classification (germline): Uncertain significance (1 of 4 stars; one submission).

Submission:

Labcorp Genetics (formerly Invitae), Labcorp
Classification: Uncertain significance. Last evaluated: 2024-10-28. Review status: criteria provided, single submitter. Criteria: Invitae Variant Classification Sherloc (09022015). Collection method: clinical testing. Allele origin: germline.
Comment: This variant results in the deletion of part of exon 10 (c.472-6_478del) of the COL9A2 gene. Variants that disrupt the donor or acceptor splice site typically lead to a loss of protein function (PMID:16199547), however it is unknown whether splice variants in this region will result in a loss of function. This variant is not present in population databases (gnomAD no frequency). This variant has not been reported in the literature in individuals affected with COL9A2-related conditions. In summary, the available evidence is currently insufficient to determine the role of this variant in disease. Therefore, it has been classified as a Variant of Uncertain Significance.

Literature cited by the submitters: PubMed 16199547.